The following is an entry in ClinVar:

ClinVar aggregate classification (germline): Benign (3 of 4 stars; one submission).

Conditions:
Breast-ovarian cancer, familial, susceptibility to, 2 (BROVCA2). Also called: BRCA2 Hereditary Breast and Ovarian Cancer. Identifiers: Orphanet 145, MedGen C2675520, MONDO:0012933, OMIM 612555. Disease mechanism: loss of function.

Allele frequency attached by ClinVar (database versions not stated): 1000 Genomes Project 0.00679; gnomAD 0.00789 and 0.00847; 1000 Genomes Project 30x 0.00828; TOPMed 0.00914.
gnomAD v4.1: 1,179 of 151,270 alleles (0.78%); highest among the groups gnomAD compares: African/African-American, 2.7%; 18 homozygotes.

Submission:

Evidence-based Network for the Interpretation of Germline Mutant Alleles (ENIGMA)
Classification: Benign for Breast-ovarian cancer, familial 2. Last evaluated: 2015-01-12. Review status: reviewed by expert panel. Criteria: ENIGMA BRCA1/2 Classification Criteria (2015). Collection method: curation. Allele origin: germline.
Comment: Class 1 not pathogenic based on frequency >1% in an outbred sampleset. Frequency 0.01626 (African), derived from 1000 genomes (2012-04-30).

NM_000059.4(BRCA2):c.9256+6386C>T

Gene: BRCA2 (BRCA2 DNA repair associated; plus strand). Cytogenetic location: 13q13.1.
Variant type: single nucleotide variant.
Coding change: c.9256+6386C>T on transcript NM_000059.4 (MANE Select); 6386 bases into the intron after coding-DNA position 9256, C replaced by T.
Molecular consequence: intron variant.
Genome position (GRCh38, 1-based): chr13:32,386,531, C>T. VCF-style: chr13-32386531-C-T. GRCh37 (hg19) VCF-style: chr13-32960668-C-T.
Other names: IVS 24+6386C>T.
Identifiers: ClinVar variation 209874 (VCV000209874.1), dbSNP rs74537929, ClinGen allele CA276842.